The following is an entry in ClinVar:

ClinVar aggregate classification (germline): Uncertain significance (1 of 4 stars; one submission).

Conditions:
Genitopatellar syndrome (GTPTS). Also called: Genitopatellar syndrome (GPS); ABSENT PATELLAE, SCROTAL HYPOPLASIA, RENAL ANOMALIES, FACIAL DYSMORPHISM, AND MENTAL RETARDATION. Identifiers: Orphanet 85201, MedGen C1853566, MONDO:0011640, OMIM 606170.

Submission:

Labcorp Genetics (formerly Invitae), Labcorp
Classification: Uncertain significance for Genitopatellar syndrome. Last evaluated: 2020-08-08. Review status: criteria provided, single submitter. Criteria: Invitae Variant Classification Sherloc (09022015). Collection method: clinical testing. Allele origin: germline.
Comment: In summary, the available evidence is currently insufficient to determine the role of this variant in disease. Therefore, it has been classified as a Variant of Uncertain Significance. Algorithms developed to predict the effect of missense changes on protein structure and function (SIFT, PolyPhen-2, Align-GVGD) all suggest that this variant is likely to be tolerated, but these predictions have not been confirmed by published functional studies and their clinical significance is uncertain. This variant has not been reported in the literature in individuals with KAT6B-related conditions. This variant is not present in population databases (ExAC no frequency). This sequence change replaces leucine with valine at codon 1474 of the KAT6B protein (p.Leu1474Val). The leucine residue is weakly conserved and there is a small physicochemical difference between leucine and valine.

NM_012330.4(KAT6B):c.4420T>G (p.Leu1474Val)

Gene: KAT6B (lysine acetyltransferase 6B; plus strand). Cytogenetic location: 10q22.2.
Variant type: single nucleotide variant.
Coding change: c.4420T>G on transcript NM_012330.4 (MANE Select); coding-DNA position 4420, T replaced by G.
Protein change: p.Leu1474Val; replaces leucine 1474 with valine.
Molecular consequence: missense variant.
Genome position (GRCh38, 1-based): chr10:75,029,244, T>G. VCF-style: chr10-75029244-T-G. GRCh37 (hg19) VCF-style: chr10-76789002-T-G.
Other names: c.3871T>G, p.Leu1291Val (NM_001256468.2, NM_001370138.1); c.3544T>G, p.Leu1182Val (NM_001256469.2, NM_001370139.1, NM_001370140.1 and 2 more transcripts); c.3382T>G, p.Leu1128Val (NM_001370132.1); c.2731T>G, p.Leu911Val (NM_001370133.1); c.2335T>G, p.Leu779Val (NM_001370134.1); c.2077T>G, p.Leu693Val (NM_001370135.1); c.4420T>G, p.Leu1474Val (NM_001370136.1, NM_001370137.1); c.3355T>G, p.Leu1119Val (NM_001370143.1, NM_001370144.1); short protein forms L1119V, L1128V, L1182V, L1291V, L1474V, L693V, L779V, L911V.
Identifiers: ClinVar variation 1021987 (VCV001021987.9), dbSNP rs1846124520, ClinGen allele CA377296949.